The following is an entry in ClinVar:

NM_000419.5(ITGA2B):c.575-3C>A

Gene: ITGA2B (integrin subunit alpha 2b; minus strand). Cytogenetic location: 17q21.31.
Variant type: single nucleotide variant.
Coding change: c.575-3C>A on transcript NM_000419.5 (MANE Select); 3 bases into the intron before coding-DNA position 575, C replaced by A.
Molecular consequence: intron variant.
Genome position (GRCh38, 1-based): chr17:44,385,338, G>T on the plus strand (C>A on the coding strand, the complement: ITGA2B is on the minus strand). VCF-style: chr17-44385338-G-T. GRCh37 (hg19) VCF-style: chr17-42462706-G-T.
Identifiers: ClinVar variation 3643094 (VCV003643094.2).

ClinVar aggregate classification (germline): Uncertain significance (1 of 4 stars; one submission).

Conditions:
Glanzmann thrombasthenia. Also called: PLATELET GLYCOPROTEIN IIb-IIIa DEFICIENCY; BLEEDING DISORDER, PLATELET-TYPE, 2; THROMBASTHENIA OF GLANZMANN AND NAEGELI; Thrombasthenia; Glanzmann's thrombasthenia. Identifiers: Orphanet 849, MedGen C0040015, MONDO:0100326.

Submission:

Labcorp Genetics (formerly Invitae), Labcorp
Classification: Uncertain significance for Glanzmann thrombasthenia. Last evaluated: 2024-03-11. Review status: criteria provided, single submitter. Criteria: Invitae Variant Classification Sherloc (09022015). Collection method: clinical testing. Allele origin: germline.
Comment: This sequence change falls in intron 4 of the ITGA2B gene. It does not directly change the encoded amino acid sequence of the ITGA2B protein. It affects a nucleotide within the consensus splice site. This variant is not present in population databases (gnomAD no frequency). This variant has not been reported in the literature in individuals affected with ITGA2B-related conditions. Variants that disrupt the consensus splice site are a relatively common cause of aberrant splicing (PMID: 17576681, 9536098). Algorithms developed to predict the effect of sequence changes on RNA splicing suggest that this variant may disrupt the consensus splice site. In summary, the available evidence is currently insufficient to determine the role of this variant in disease. Therefore, it has been classified as a Variant of Uncertain Significance.

Literature cited by the submitters: PubMed 17576681; PubMed 9536098.